The following is an entry in ClinVar:

ClinVar aggregate classification (germline): Likely benign. Review status: criteria provided, multiple submitters, no conflicts (2 of 4 stars). 2 submissions from 2 submitters: Likely benign (2). Last evaluated 2025-04-11.

Allele frequency attached by ClinVar (database versions not stated): ExAC 0.00003.
gnomAD v4.1: 65 of 1,613,930 alleles (0.004%); highest among the groups gnomAD compares: Non-Finnish European, 0.0053%; no homozygotes.

Submissions (2):

Labcorp Genetics (formerly Invitae), Labcorp
Classification: Likely benign. Last evaluated: 2025-04-11. Review status: criteria provided, single submitter. Criteria: Invitae Variant Classification Sherloc (09022015). Collection method: clinical testing. Allele origin: germline.

CeGaT Center for Human Genetics Tuebingen
Classification: Likely benign. Last evaluated: 2023-03-01. Review status: criteria provided, single submitter. Criteria: CeGaT Center For Human Genetics Tuebingen Variant Classification Criteria Version 2. Collection method: clinical testing. Allele origin: germline. Affected: yes. Observed: 1 variant allele.
Comment: DMXL2: BP4, BP7

NM_001378457.1(DMXL2):c.3900C>A (p.Thr1300=)

Gene: DMXL2 (Dmx like 2; minus strand). Cytogenetic location: 15q21.2.
Variant type: single nucleotide variant.
Coding change: c.3900C>A on transcript NM_001378457.1 (MANE Select); coding-DNA position 3900, C replaced by A.
Protein change: p.Thr1300=; no amino-acid change (threonine 1300 retained).
Molecular consequence: synonymous variant. On other transcripts: non-coding transcript variant (2), intron variant (2).
Genome position (GRCh38, 1-based): chr15:51,499,324, G>T on the plus strand (C>A on the coding strand, the complement: DMXL2 is on the minus strand). VCF-style: chr15-51499324-G-T. GRCh37 (hg19) VCF-style: chr15-51791521-G-T.
Other names: c.3900C>A, p.Thr1300= (NM_001174116.3, NM_001378458.1, NM_001378459.1 and 4 more transcripts); c.3660C>A, p.Thr1220= (NM_001378464.1); c.2765-7577C>A (NM_001378460.1); c.2765-4190C>A (NM_001174117.3).
Identifiers: ClinVar variation 2498614 (VCV002498614.31), dbSNP rs763688063, ClinGen allele CA7562093.